The following is an entry in ClinVar:

NM_013432.5(TONSL):c.1400AGG[7] (p.Glu468_Glu470dup)

Gene: TONSL (tonsoku like, DNA repair protein; minus strand). Cytogenetic location: 8q24.3.
Variant type: Microsatellite.
Coding change: c.1400AGG[7] on transcript NM_013432.5 (MANE Select); seven copies in a row of the 3-base unit AGG starting at c.1400; the reference has four copies in a row; three copies, 9 bases duplicated.
Protein change: p.Glu468_Glu470dup.
Molecular consequence: inframe insertion.
Genome position (GRCh38, 1-based): chr8:144,440,090-144,440,098, CCTCCTCCT duplicated on the plus strand (AGGAGGAGG on the coding strand, the reverse complement: TONSL is on the minus strand); duplicating any 9 consecutive bases within chr8:144,440,090-144,440,102 gives the same sequence; the position shown is the placement nearest the transcript's 3' end. VCF-style (leftmost placement, unchanged base first): chr8-144440089-G-GCCTCCTCCT. GRCh37 (hg19) VCF-style: chr8-145665472-G-GCCTCCTCCT.
Identifiers: ClinVar variation 1431228 (VCV001431228.6), dbSNP rs745438969, ClinGen allele CA2580616136.

ClinVar aggregate classification (germline): Uncertain significance (1 of 4 stars; one submission).

Submission:

Labcorp Genetics (formerly Invitae), Labcorp
Classification: Uncertain significance. Last evaluated: 2021-06-24. Review status: criteria provided, single submitter. Criteria: Invitae Variant Classification Sherloc (09022015). Collection method: clinical testing. Allele origin: germline.
Comment: In summary, the available evidence is currently insufficient to determine the role of this variant in disease. Therefore, it has been classified as a Variant of Uncertain Significance. Experimental studies and prediction algorithms are not available or were not evaluated, and the functional significance of this variant is currently unknown. This variant has not been reported in the literature in individuals with TONSL-related conditions. This variant is not present in population databases (ExAC no frequency). This variant, c.1403_1411dup, results in the insertion of 3 amino acid(s) to the TONSL protein (p.Glu468_Glu470dup), but otherwise preserves the integrity of the reading frame.